The following is an entry in ClinVar:

ClinVar aggregate classification (germline): Uncertain significance (1 of 4 stars; one submission).

Conditions:
Tuberous sclerosis 2 (TSC2). Identifiers: Orphanet 805, MedGen C1860707, MONDO:0013199, OMIM 613254.

gnomAD v4.1: 1 of 1,613,838 alleles (0.000062%); highest among the groups gnomAD compares: Non-Finnish European, 0.000085%; no homozygotes.

Submission:

Labcorp Genetics (formerly Invitae), Labcorp
Classification: Uncertain significance for Tuberous sclerosis 2. Last evaluated: 2021-01-03. Review status: criteria provided, single submitter. Criteria: Invitae Variant Classification Sherloc (09022015). Collection method: clinical testing. Allele origin: germline.
Comment: In summary, the available evidence is currently insufficient to determine the role of this variant in disease. Therefore, it has been classified as a Variant of Uncertain Significance. Advanced modeling of protein sequence and biophysical properties (such as structural, functional, and spatial information, amino acid conservation, physicochemical variation, residue mobility, and thermodynamic stability) performed at Invitae indicates that this missense variant is not expected to disrupt TSC2 protein function. This variant has not been reported in the literature in individuals with TSC2-related conditions. This variant is not present in population databases (ExAC no frequency). This sequence change replaces leucine with valine at codon 54 of the TSC2 protein (p.Leu54Val). The leucine residue is moderately conserved and there is a small physicochemical difference between leucine and valine.

NM_000548.5(TSC2):c.160C>G (p.Leu54Val)

Gene: TSC2 (TSC complex subunit 2; plus strand). Cytogenetic location: 16p13.3.
Variant type: single nucleotide variant.
Coding change: c.160C>G on transcript NM_000548.5 (MANE Select); coding-DNA position 160, C replaced by G.
Protein change: p.Leu54Val; replaces leucine 54 with valine.
Molecular consequence: missense variant. On other transcripts: 5 prime UTR variant (1).
Genome position (GRCh38, 1-based): chr16:2,050,421, C>G. VCF-style: chr16-2050421-C-G. GRCh37 (hg19) VCF-style: chr16-2100422-C-G.
Other names: c.160C>G, p.Leu54Val (NM_001077183.3, NM_001114382.3, NM_001318827.2 and 4 more transcripts); c.13C>G, p.Leu5Val (NM_001318829.2); c.-67C>G (NM_001318831.2); c.193C>G, p.Leu65Val (NM_001318832.2); short protein forms L5V, L65V, L54V.
Identifiers: ClinVar variation 1499930 (VCV001499930.8), dbSNP rs1394176023, ClinGen allele CA394303198.